The following is an entry in ClinVar:

NM_018706.7(DHTKD1):c.1225A>T (p.Thr409Ser)

Gene: DHTKD1 (dehydrogenase E1 and transketolase domain containing 1; plus strand). Cytogenetic location: 10p14.
Variant type: single nucleotide variant.
Coding change: c.1225A>T on transcript NM_018706.7 (MANE Select); coding-DNA position 1225, A replaced by T.
Protein change: p.Thr409Ser; replaces threonine 409 with serine.
Molecular consequence: missense variant.
Genome position (GRCh38, 1-based): chr10:12,094,138, A>T. VCF-style: chr10-12094138-A-T. GRCh37 (hg19) VCF-style: chr10-12136137-A-T.
Other names: short protein forms T409S.
Identifiers: ClinVar variation 2821458 (VCV002821458.3), dbSNP rs2491486220, ClinGen allele CA376020153.

ClinVar aggregate classification (germline): Uncertain significance (1 of 4 stars; one submission).

Conditions:
2-aminoadipic 2-oxoadipic aciduria (AAKAD). Also called: Aminoadipic aciduria; ALPHA-AMINOADIPIC AND ALPHA-KETOADIPIC ACIDURIA. Identifiers: Orphanet 79154, MedGen C1859817, MONDO:0008774, OMIM 204750.

Submission:

Labcorp Genetics (formerly Invitae), Labcorp
Classification: Uncertain significance for 2-aminoadipic 2-oxoadipic aciduria. Last evaluated: 2024-02-12. Review status: criteria provided, single submitter. Criteria: Invitae Variant Classification Sherloc (09022015). Collection method: clinical testing. Allele origin: germline.
Comment: This sequence change replaces threonine, which is neutral and polar, with serine, which is neutral and polar, at codon 409 of the DHTKD1 protein (p.Thr409Ser). This variant is not present in population databases (gnomAD no frequency). This variant has not been reported in the literature in individuals affected with DHTKD1-related conditions. Advanced modeling of protein sequence and biophysical properties (such as structural, functional, and spatial information, amino acid conservation, physicochemical variation, residue mobility, and thermodynamic stability) performed at Invitae indicates that this missense variant is not expected to disrupt DHTKD1 protein function with a negative predictive value of 80%. In summary, the available evidence is currently insufficient to determine the role of this variant in disease. Therefore, it has been classified as a Variant of Uncertain Significance.